The following is an entry in ClinVar:

NM_005591.4(MRE11):c.822T>C (p.Leu274=)

Gene: MRE11 (MRE11 double strand break repair nuclease; minus strand). Cytogenetic location: 11q21.
Variant type: single nucleotide variant.
Coding change: c.822T>C on transcript NM_005591.4 (MANE Select); coding-DNA position 822, T replaced by C.
Protein change: p.Leu274=; no amino-acid change (leucine 274 retained).
Molecular consequence: synonymous variant.
Genome position (GRCh38, 1-based): chr11:94,471,597, A>G on the plus strand (T>C on the coding strand, the complement: MRE11 is on the minus strand). VCF-style: chr11-94471597-A-G. GRCh37 (hg19) VCF-style: chr11-94204763-A-G.
Other names: p.L274L:CTT>CTC; p.Leu274=; c.822T>C, p.Leu274= (NM_001330347.2, NM_005590.4).
Identifiers: ClinVar variation 182549 (VCV000182549.74), dbSNP rs137868143, ClinGen allele CA333738.

ClinVar aggregate classification (germline): Conflicting classifications of pathogenicity. Review status: criteria provided, conflicting classifications (1 of 4 stars). 16 submissions from 16 submitters: Uncertain significance (1); Benign (6); Likely benign (6). 3 of the submissions do not count toward it. Last evaluated 2026-08-01.

Conditions:
Ataxia-telangiectasia-like disorder (ATLD). Identifiers: MedGen C1858391, MONDO:0011457.
Hereditary cancer-predisposing syndrome. Also called: Hereditary neoplastic syndrome; Tumor predisposition; Neoplastic Syndromes, Hereditary; Hereditary Cancer Syndrome. Identifiers: Orphanet 140162, MedGen C0027672, MeSH D009386, MONDO:0015356.
Ataxia-telangiectasia-like disorder 1 (ATLD1). Identifiers: Orphanet 251347, MedGen C4012790, MONDO:0024557, OMIM 604391.

Allele frequency attached by ClinVar (database versions not stated): 1000 Genomes Project 30x 0.00031; 1000 Genomes Project 0.00040; TOPMed 0.00095; ESP Exome Variant Server 0.00123; gnomAD exomes 0.00140; gnomAD 0.00146 and 0.00152; ExAC 0.00151.
gnomAD v4.1: 2,222 of 1,612,580 alleles (0.14%); highest among the groups gnomAD compares: Non-Finnish European, 0.16%; 6 homozygotes.

Submissions (16):

CeGaT Center for Human Genetics Tuebingen
Classification: Likely benign. Last evaluated: 2026-08-01. Review status: criteria provided, single submitter. Criteria: CeGaT Center For Human Genetics Tuebingen Variant Classification Criteria Version 2. Collection method: clinical testing. Allele origin: germline. Affected: yes. Observed: 48 variant alleles.
Comment: MRE11: BP4, BP7

Labcorp Genetics (formerly Invitae), Labcorp
Classification: Benign for Ataxia-telangiectasia-like disorder. Last evaluated: 2026-01-31. Review status: criteria provided, single submitter. Criteria: Invitae Variant Classification Sherloc (09022015). Collection method: clinical testing. Allele origin: germline.

Mayo Clinic Laboratories, Mayo Clinic
Classification: Benign. Last evaluated: 2025-10-17. Review status: criteria provided, single submitter. Criteria: ACMG Guidelines, 2015. Collection method: clinical testing. Allele origin: germline. Observed: 1 variant allele.
Comment: BS1, BS2, BP4, BP7

Blueprint Genetics
Classification: Likely benign. Last evaluated: 2024-11-27. Review status: criteria provided, single submitter. Criteria: ACMG Guidelines, 2015. Collection method: clinical testing. Allele origin: germline.

Athena Diagnostics
Classification: Benign. Last evaluated: 2024-09-18. Review status: criteria provided, single submitter. Criteria: Athena Diagnostics Criteria. Collection method: clinical testing. Allele origin: unknown.

ARUP Laboratories, Molecular Genetics and Genomics, ARUP Laboratories
Classification: Likely benign for Ataxia-telangiectasia-like disorder 1. Last evaluated: 2023-10-26. Review status: criteria provided, single submitter. Criteria: ARUP Molecular Germline Variant Investigation Process 2024. Collection method: clinical testing. Allele origin: germline.

Sema4
Classification: Likely benign for Hereditary cancer-predisposing syndrome. Last evaluated: 2021-03-15. Review status: criteria provided, single submitter. Criteria: Sema4 Curation Guidelines. Collection method: curation. Allele origin: germline.

Quest Diagnostics Nichols Institute San Juan Capistrano
Classification: Benign. Last evaluated: 2019-12-20. Review status: criteria provided, single submitter. Criteria: Quest Diagnostics criteria. Collection method: clinical testing. Allele origin: unknown.

Women's Health and Genetics/Laboratory Corporation of America, LabCorp
Classification: Benign. Last evaluated: 2019-12-20. Review status: criteria provided, single submitter. Criteria: LabCorp Variant Classification Summary - May 2015. Collection method: clinical testing. Allele origin: germline.

Illumina Laboratory Services, Illumina
Classification: Uncertain significance for Ataxia-telangiectasia-like disorder 1. Last evaluated: 2018-01-12. Review status: criteria provided, single submitter. Criteria: ICSL Variant Classification Criteria 13 December 2019. Collection method: clinical testing. Allele origin: germline.

Eurofins Ntd Llc (ga)
Classification: Likely benign. Last evaluated: 2016-02-25. Review status: criteria provided, single submitter. Criteria: EGL Classification Definitions 2015. Collection method: clinical testing. Allele origin: germline. Observed: 1 variant allele, 1 heterozygote.

Ambry Genetics
Classification: Likely benign for Hereditary cancer-predisposing syndrome. Last evaluated: 2014-06-19. Review status: criteria provided, single submitter. Criteria: Ambry Variant Classification Scheme 2023. Collection method: clinical testing. Allele origin: germline.

GeneDx
Classification: Benign. Last evaluated: 2013-12-25. Review status: criteria provided, single submitter. Criteria: GeneDx Variant Classification (06012015). Collection method: clinical testing. Allele origin: germline. Affected: yes.
Comment: This variant is considered likely benign or benign based on one or more of the following criteria: it is a conservative change, it occurs at a poorly conserved position in the protein, it is predicted to be benign by multiple in silico algorithms, and/or has population frequency not consistent with disease.

Counsyl
Classification: Likely benign for Ataxia-telangiectasia-like disorder 1. Last evaluated: 2016-07-25. Review status: no assertion criteria provided. Collection method: clinical testing. Allele origin: unknown. Not counted in ClinVar's aggregate classification.

Clinical Genetics DNA and cytogenetics Diagnostics Lab, Erasmus MC, Erasmus Medical Center
Classification: Likely benign. Review status: no assertion criteria provided. Collection method: clinical testing. Allele origin: germline. Affected: yes. Study: VKGL Data-share Consensus. Not counted in ClinVar's aggregate classification.

Genome Diagnostics Laboratory, University Medical Center Utrecht
Classification: Likely benign. Review status: no assertion criteria provided. Collection method: clinical testing. Allele origin: germline. Affected: yes. Study: VKGL Data-share Consensus. Not counted in ClinVar's aggregate classification.

Literature cited by the submitters: PubMed 38924040 (cited by Athena Diagnostics); PubMed 32343762 (cited by Athena Diagnostics).